The following is an entry in ClinVar:

NM_002471.4(MYH6):c.2561T>C (p.Met854Thr)

Gene: MYH6 (myosin heavy chain 6; minus strand). Cytogenetic location: 14q11.2.
Variant type: single nucleotide variant.
Coding change: c.2561T>C on transcript NM_002471.4 (MANE Select); coding-DNA position 2561, T replaced by C.
Protein change: p.Met854Thr; replaces methionine 854 with threonine.
Molecular consequence: missense variant.
Genome position (GRCh38, 1-based): chr14:23,394,192, A>G on the plus strand (T>C on the coding strand, the complement: MYH6 is on the minus strand). VCF-style: chr14-23394192-A-G. GRCh37 (hg19) VCF-style: chr14-23863401-A-G.
Other names: short protein forms M854T.
Identifiers: ClinVar variation 3297505 (VCV003297505.1).

ClinVar aggregate classification (germline): Uncertain significance (1 of 4 stars; one submission).

Conditions:
Cardiovascular phenotype. Identifiers: MedGen CN230736.

gnomAD v4.1: 1 of 1,614,180 alleles (0.000062%); highest among the groups gnomAD compares: Non-Finnish European, 0.000085%; no homozygotes.

Submission:

Ambry Genetics
Classification: Uncertain significance for Cardiovascular phenotype. Last evaluated: 2024-06-22. Review status: criteria provided, single submitter. Criteria: Ambry Variant Classification Scheme 2023. Collection method: clinical testing. Allele origin: germline.
Comment: The p.M854T variant (also known as c.2561T>C), located in coding exon 19 of the MYH6 gene, results from a T to C substitution at nucleotide position 2561. The methionine at codon 854 is replaced by threonine, an amino acid with similar properties. This amino acid position is conserved. In addition, this alteration is predicted to be deleterious by in silico analysis. Based on the available evidence, the clinical significance of this variant remains unclear.